The following is an entry in ClinVar:

NM_014921.5(ADGRL1):c.532C>T (p.Arg178Cys)

Genes: ADGRL1 (adhesion G protein-coupled receptor L1; minus strand), ADGRL1-AS1 (ADGRL1 antisense RNA 1; plus strand). Cytogenetic location: 19p13.12.
Variant type: single nucleotide variant.
Coding change: c.532C>T on transcript NM_014921.5 (MANE Select); coding-DNA position 532, C replaced by T.
Protein change: p.Arg178Cys; replaces arginine 178 with cysteine.
Molecular consequence: missense variant.
Genome position (GRCh38, 1-based): chr19:14,163,269, G>A on the plus strand (C>T on the coding strand, the complement: ADGRL1 is on the minus strand). VCF-style: chr19-14163269-G-A. GRCh37 (hg19) VCF-style: chr19-14274081-G-A.
Other names: c.547C>T, p.Arg183Cys (NM_001008701.3); short protein forms R183C, R178C.
Identifiers: ClinVar variation 2384924 (VCV002384924.27), dbSNP rs369670781, ClinGen allele CA9250912.

ClinVar aggregate classification (germline): Uncertain significance. Review status: criteria provided, multiple submitters, no conflicts (2 of 4 stars). 2 submissions from 2 submitters: Uncertain significance (2). Last evaluated 2024-12-31.

Conditions:
Inborn genetic diseases. Identifiers: MedGen C0950123, MeSH D030342.

Allele frequency attached by ClinVar (database versions not stated): ExAC 0.00003; gnomAD 0.00005; TOPMed 0.00006; ESP Exome Variant Server 0.00008.
gnomAD v4.1: 178 of 1,613,668 alleles (0.011%); highest among the groups gnomAD compares: Non-Finnish European, 0.014%; no homozygotes.

Submissions (2):

Ambry Genetics
Classification: Uncertain significance for Inborn genetic diseases. Last evaluated: 2024-12-31. Review status: criteria provided, single submitter. Criteria: Ambry Variant Classification Scheme 2023. Collection method: clinical testing. Allele origin: germline.

CeGaT Center for Human Genetics Tuebingen
Classification: Uncertain significance. Last evaluated: 2023-09-01. Review status: criteria provided, single submitter. Criteria: CeGaT Center For Human Genetics Tuebingen Variant Classification Criteria Version 2. Collection method: clinical testing. Allele origin: germline. Affected: yes. Observed: 1 variant allele.
Comment: ADGRL1: PP3